The following is an entry in ClinVar:

NM_001011.4(RPS7):c.508-12_508-9del

Gene: RPS7 (ribosomal protein S7; plus strand). Cytogenetic location: 2p25.3.
Variant type: Microsatellite.
Coding change: c.508-12_508-9del on transcript NM_001011.4 (MANE Select); 12 bases into the intron before coding-DNA position 508 through 9 bases into the intron before coding-DNA position 508, 4 bases deleted (CTTT; older notation c.508-12_508-9delCTTT).
Molecular consequence: intron variant.
Genome position (GRCh38, 1-based): chr2:3,580,793-3,580,796, CTTT deleted; deleting any 4 consecutive bases within chr2:3,580,787-3,580,796 gives the same sequence; the c. name uses the placement nearest the transcript's 3' end. VCF-style (leftmost placement, unchanged base first): chr2-3580786-ATTCT-A. GRCh37 (hg19) VCF-style: chr2-3628376-ATTCT-A.
Other names: c.508-12_508-9del (NM_001011.3).
Identifiers: ClinVar variation 1374483 (VCV001374483.9), dbSNP rs747706059, ClinGen allele CA1516716.

ClinVar aggregate classification (germline): Uncertain significance. Review status: criteria provided, multiple submitters, no conflicts (2 of 4 stars). 2 submissions from 2 submitters: Uncertain significance (2). Last evaluated 2024-10-29.

Conditions:
Diamond-Blackfan anemia 8 (DBA8). Also called: RPS7-Related Diamond-Blackfan Anemia. Identifiers: Orphanet 124, MedGen C2675511, MONDO:0012939, OMIM 612563.

Submissions (2):

Labcorp Genetics (formerly Invitae), Labcorp
Classification: Uncertain significance for Diamond-Blackfan anemia 8. Last evaluated: 2024-10-29. Review status: criteria provided, single submitter. Criteria: Invitae Variant Classification Sherloc (09022015). Collection method: clinical testing. Allele origin: germline.
Comment: This sequence change falls in intron 6 of the RPS7 gene. It does not directly change the encoded amino acid sequence of the RPS7 protein. This variant is present in population databases (rs747706059, gnomAD 0.003%). This variant has not been reported in the literature in individuals affected with RPS7-related conditions. Algorithms developed to predict the effect of sequence changes on RNA splicing suggest that this variant may disrupt the consensus splice site. In summary, the available evidence is currently insufficient to determine the role of this variant in disease. Therefore, it has been classified as a Variant of Uncertain Significance.

Fulgent Genetics
Classification: Uncertain significance for Diamond-Blackfan anemia 8. Last evaluated: 2024-05-24. Review status: criteria provided, single submitter. Criteria: ACMG Guidelines, 2015. Collection method: clinical testing. Allele origin: germline.